The following is an entry in ClinVar:

ClinVar aggregate classification (germline): Uncertain significance (1 of 4 stars; one submission).

Conditions:
Multiple gastrointestinal atresias. Also called: Multiple intestinal atresia; FAMILIAL INTESTINAL POLYATRESIA SYNDROME. Identifiers: Orphanet 2300, MedGen C0220744, MONDO:0009465.

gnomAD v4.1: 2 of 1,613,820 alleles (0.00012%); highest among the groups gnomAD compares: Non-Finnish European, 0.00017%; no homozygotes.

Submission:

Labcorp Genetics (formerly Invitae), Labcorp
Classification: Uncertain significance for Multiple gastrointestinal atresias. Last evaluated: 2023-01-15. Review status: criteria provided, single submitter. Criteria: Invitae Variant Classification Sherloc (09022015). Collection method: clinical testing. Allele origin: germline.
Comment: In summary, the available evidence is currently insufficient to determine the role of this variant in disease. Therefore, it has been classified as a Variant of Uncertain Significance. Advanced modeling of protein sequence and biophysical properties (such as structural, functional, and spatial information, amino acid conservation, physicochemical variation, residue mobility, and thermodynamic stability) performed at Invitae indicates that this missense variant is expected to disrupt TTC7A protein function. This variant has not been reported in the literature in individuals affected with TTC7A-related conditions. This variant is not present in population databases (gnomAD no frequency). This sequence change replaces arginine, which is basic and polar, with leucine, which is neutral and non-polar, at codon 178 of the TTC7A protein (p.Arg178Leu).

NM_020458.4(TTC7A):c.533G>T (p.Arg178Leu)

Genes: TTC7A (tetratricopeptide repeat domain 7A; plus strand), LOC126806211 (CDK7 strongly-dependent group 2 enhancer GRCh37_chr2:47201305-47202504; plus strand). Cytogenetic location: 2p21.
Variant type: single nucleotide variant.
Coding change: c.533G>T on transcript NM_020458.4 (MANE Select); coding-DNA position 533, G replaced by T.
Protein change: p.Arg178Leu; replaces arginine 178 with leucine.
Molecular consequence: missense variant. On other transcripts: 5 prime UTR variant (1).
Genome position (GRCh38, 1-based): chr2:46,974,988, G>T. VCF-style: chr2-46974988-G-T. GRCh37 (hg19) VCF-style: chr2-47202127-G-T.
Other names: c.533G>T, p.Arg178Leu (NM_001288951.2); c.431G>T, p.Arg144Leu (NM_001288953.2); c.-372G>T (NM_001288955.2); short protein forms R144L, R178L.
Identifiers: ClinVar variation 2056507 (VCV002056507.2), dbSNP rs757371551, ClinGen allele CA346722847.